The following is an entry in ClinVar:

NM_014855.3(AP5Z1):c.929G>A (p.Arg310Gln)

Gene: AP5Z1 (adaptor related protein complex 5 subunit zeta 1; plus strand). Cytogenetic location: 7p22.1.
Variant type: single nucleotide variant.
Coding change: c.929G>A on transcript NM_014855.3 (MANE Select); coding-DNA position 929, G replaced by A.
Protein change: p.Arg310Gln; replaces arginine 310 with glutamine.
Molecular consequence: missense variant. On other transcripts: non-coding transcript variant (1).
Genome position (GRCh38, 1-based): chr7:4,785,046, G>A. VCF-style: chr7-4785046-G-A. GRCh37 (hg19) VCF-style: chr7-4824677-G-A.
Other names: c.461G>A, p.Arg154Gln (NM_001364858.1); short protein forms R310Q, R154Q.
Identifiers: ClinVar variation 3571963 (VCV003571963.2).

ClinVar aggregate classification (germline): Uncertain significance. Review status: criteria provided, multiple submitters, no conflicts (2 of 4 stars). 2 submissions from 2 submitters: Uncertain significance (2). Last evaluated 2025-09-10.

Conditions:
Inborn genetic diseases. Identifiers: MedGen C0950123, MeSH D030342.

gnomAD v4.1: 54 of 1,596,224 alleles (0.0034%); highest among the groups gnomAD compares: Non-Finnish European, 0.0045%; no homozygotes.

Submissions (2):

Ambry Genetics
Classification: Uncertain significance for Inborn genetic diseases. Last evaluated: 2025-09-10. Review status: criteria provided, single submitter. Criteria: Ambry Variant Classification Scheme 2023. Collection method: clinical testing. Allele origin: germline.

Athena Diagnostics
Classification: Uncertain significance. Last evaluated: 2024-10-11. Review status: criteria provided, single submitter. Criteria: Athena Diagnostics Criteria. Collection method: clinical testing. Allele origin: unknown.
Comment: Available data are insufficient to determine the clinical significance of the variant at this time. The frequency of this variant in the general population is uninformative in assessment of its pathogenicity. This variant has been identified in at least one individual tested at Athena Diagnostics with clinical features associated with this gene. Polyphen and MutationTaster yielded discordant predictions regarding whether this amino acid change is damaging to the protein.